The following is an entry in ClinVar:

NM_006415.4(SPTLC1):c.428-1G>T

Gene: SPTLC1 (serine palmitoyltransferase long chain base subunit 1; minus strand). Cytogenetic location: 9q22.31.
Variant type: single nucleotide variant.
Coding change: c.428-1G>T on transcript NM_006415.4 (MANE Select); the canonical splice acceptor site of the intron before coding-DNA position 428, G replaced by T.
Molecular consequence: splice acceptor variant.
Genome position (GRCh38, 1-based): chr9:92,068,099, C>A on the plus strand (G>T on the coding strand, the complement: SPTLC1 is on the minus strand). VCF-style: chr9-92068099-C-A. GRCh37 (hg19) VCF-style: chr9-94830381-C-A.
Other names: c.428-1G>T (NM_001281303.2); c.62-1G>T (NM_001368272.1); c.-38-1G>T (NM_001368273.1).
Identifiers: ClinVar variation 3703715 (VCV003703715.2).

ClinVar aggregate classification (germline): Uncertain significance (1 of 4 stars; one submission).

Conditions:
Hereditary sensory and autonomic neuropathy type 1 (HSAN1). Also called: HSAN 1; HSN Type I; Hereditary Sensory Neuropathy Type I. Identifiers: Orphanet 36386, MedGen C0020071, MONDO:0018213.

gnomAD v4.1: 4 of 1,613,586 alleles (0.00025%); highest among the groups gnomAD compares: East Asian, 0.0089%; no homozygotes.

Submission:

Labcorp Genetics (formerly Invitae), Labcorp
Classification: Uncertain significance for Hereditary sensory and autonomic neuropathy type 1. Last evaluated: 2024-05-22. Review status: criteria provided, single submitter. Criteria: Invitae Variant Classification Sherloc (09022015). Collection method: clinical testing. Allele origin: germline.
Comment: This sequence change affects an acceptor splice site in intron 5 of the SPTLC1 gene. It is expected to disrupt RNA splicing. Variants that disrupt the donor or acceptor splice site typically lead to a loss of protein function (PMID: 16199547), however the current clinical and genetic evidence is not sufficient to establish whether loss-of-function variants in SPTLC1 cause disease. This variant is present in population databases (rs776829771, gnomAD 0.01%). This variant has not been reported in the literature in individuals affected with SPTLC1-related conditions. Algorithms developed to predict the effect of sequence changes on RNA splicing suggest that this variant may disrupt the consensus splice site. In summary, the available evidence is currently insufficient to determine the role of this variant in disease. Therefore, it has been classified as a Variant of Uncertain Significance.

Literature cited by the submitters: PubMed 16199547.